The following is an entry in ClinVar:

NM_000092.5(COL4A4):c.3457A>T (p.Arg1153Ter)

Gene: COL4A4 (collagen type IV alpha 4 chain; minus strand). Cytogenetic location: 2q36.3.
Variant type: single nucleotide variant.
Coding change: c.3457A>T on transcript NM_000092.5 (MANE Select); coding-DNA position 3457, A replaced by T.
Protein change: p.Arg1153Ter; replaces arginine 1153 with a stop codon.
Molecular consequence: nonsense.
Genome position (GRCh38, 1-based): chr2:227,042,196, T>A on the plus strand (A>T on the coding strand, the complement: COL4A4 is on the minus strand). VCF-style: chr2-227042196-T-A. GRCh37 (hg19) VCF-style: chr2-227906912-T-A.
Other names: short protein forms R1153*.
Identifiers: ClinVar variation 984044 (VCV000984044.3), dbSNP rs1971610561, ClinGen allele CA350838248.

ClinVar aggregate classification (germline): Likely pathogenic (1 of 4 stars; one submission).

Conditions:
Autosomal recessive Alport syndrome (ATS2). Also called: ALPORT SYNDROME 2, AUTOSOMAL RECESSIVE; Alport syndrome type 2; COL4A4 Alport Syndrome and Thin Basement Membrane Nephropathy; COL4A3-Related Nephropathy. Identifiers: Orphanet 63, Orphanet 88919, MedGen C4746745, MONDO:0008762, OMIM 203780.

Submission:

Myriad Genetics, Inc.
Classification: Likely pathogenic for Autosomal recessive Alport syndrome. Last evaluated: 2019-03-30. Review status: criteria provided, single submitter. Criteria: Myriad Women's Health Autosomal Recessive and X-Linked Classification Criteria (2019). Collection method: clinical testing. Allele origin: unknown.
Comment: NM_000092.4(COL4A4):c.3457A>T(R1153*) is expected to be pathogenic in the context of COL4A4-related Alport syndrome. This variant is predicted to lead to an abnormal or absent protein product due to the creation of a premature termination codon in COL4A4, a gene where loss-of-function variants are known to be pathogenic. Please note: this variant was assessed in the context of healthy population screening.